The following is an entry in ClinVar:

NM_177438.3(DICER1):c.1005T>G (p.His335Gln)

Gene: DICER1 (dicer 1, ribonuclease III; minus strand). Cytogenetic location: 14q32.13.
Variant type: single nucleotide variant.
Coding change: c.1005T>G on transcript NM_177438.3 (MANE Select); coding-DNA position 1005, T replaced by G.
Protein change: p.His335Gln; replaces histidine 335 with glutamine.
Molecular consequence: missense variant.
Genome position (GRCh38, 1-based): chr14:95,124,567, A>C on the plus strand (T>G on the coding strand, the complement: DICER1 is on the minus strand). VCF-style: chr14-95124567-A-C. GRCh37 (hg19) VCF-style: chr14-95590904-A-C.
Other names: c.1005T>G, p.His335Gln (NM_001195573.1, NM_001271282.3, NM_001291628.2 and 1 more transcripts); short protein forms H335Q.
Identifiers: ClinVar variation 574787 (VCV000574787.10), dbSNP rs1566803081, ClinGen allele CA390887180.
Genomic context (GRCh38, chr14:95,124,567, plus strand): 5'-TATTTTCCTTAGGAAAGTGTCTGTAAACAATAAAAATTTCCTGTGCAGCTCCTCTTGCTC[A>C]TGTTTGATGTATTTCTGTAGTTCTCTTACCATCATTCCAGCTACTTTATCTGCACACCAG-3'
Protein context (NP_803187.1, residues 325-345): MVRELQKYIK[His335Gln]EQEELHRKFL

ClinVar aggregate classification (germline): Uncertain significance (1 of 4 stars; one submission).

Conditions:
DICER1-related tumor predisposition. Also called: DICER1 syndrome; DICER1-related pleuropulmonary blastoma cancer predisposition syndrome. Identifiers: Orphanet 284343, MedGen C3839822, MONDO:0100216.

Submission:

Labcorp Genetics (formerly Invitae), Labcorp
Classification: Uncertain significance for DICER1-related tumor predisposition. Last evaluated: 2018-05-30. Review status: criteria provided, single submitter. Criteria: Invitae Variant Classification Sherloc (09022015). Collection method: clinical testing. Allele origin: germline.
Comment: This variant is not present in population databases (ExAC no frequency). In summary, the available evidence is currently insufficient to determine the role of this variant in disease. Therefore, it has been classified as a Variant of Uncertain Significance. Algorithms developed to predict the effect of sequence changes on RNA splicing suggest that this variant may create or strengthen a splice site, but this prediction has not been confirmed by published transcriptional studies. Algorithms developed to predict the effect of missense changes on protein structure and function are either unavailable or do not agree on the potential impact of this missense change (SIFT: "Tolerated"; PolyPhen-2: "Possibly Damaging"; Align-GVGD: "Class C0"). This variant has not been reported in the literature in individuals with DICER1-related disease. This sequence change replaces histidine with glutamine at codon 335 of the DICER1 protein (p.His335Gln). The histidine residue is highly conserved and there is a small physicochemical difference between histidine and glutamine.